The following is an entry in ClinVar:

ClinVar aggregate classification (germline): Uncertain significance (1 of 4 stars; one submission).

Conditions:
Accelerated tumor formation, susceptibility to (ACTFS). Identifiers: MedGen C3280690, OMIM 614401, MONDO:0013733.

Submission:

Labcorp Genetics (formerly Invitae), Labcorp
Classification: Uncertain significance for Accelerated tumor formation, susceptibility to. Last evaluated: 2022-01-14. Review status: criteria provided, single submitter. Criteria: Invitae Variant Classification Sherloc (09022015). Collection method: clinical testing. Allele origin: germline.
Comment: This sequence change replaces leucine, which is neutral and non-polar, with phenylalanine, which is neutral and non-polar, at codon 197 of the MDM2 protein (p.Leu197Phe). This variant is not present in population databases (gnomAD no frequency). In summary, the available evidence is currently insufficient to determine the role of this variant in disease. Therefore, it has been classified as a Variant of Uncertain Significance. Algorithms developed to predict the effect of missense changes on protein structure and function output the following: SIFT: "Tolerated"; PolyPhen-2: "Probably Damaging"; Align-GVGD: "Class C0". The phenylalanine amino acid residue is found in multiple mammalian species, which suggests that this missense change does not adversely affect protein function. This variant has not been reported in the literature in individuals affected with MDM2-related conditions.

NM_002392.6(MDM2):c.589C>T (p.Leu197Phe)

Gene: MDM2 (MDM2 proto-oncogene; plus strand). Cytogenetic location: 12q15.
Variant type: single nucleotide variant.
Coding change: c.589C>T on transcript NM_002392.6 (MANE Select); coding-DNA position 589, C replaced by T.
Protein change: p.Leu197Phe; replaces leucine 197 with phenylalanine.
Molecular consequence: missense variant. On other transcripts: intron variant (2).
Genome position (GRCh38, 1-based): chr12:68,828,836, C>T. VCF-style: chr12-68828836-C-T. GRCh37 (hg19) VCF-style: chr12-69222616-C-T.
Other names: c.571C>T, p.Leu191Phe (NM_001145337.3, NM_001367990.1); c.424C>T, p.Leu142Phe (NM_001145339.2); c.157-6993C>T (NM_001278462.2, NM_001145340.3); short protein forms L191F, L142F, L197F.
Identifiers: ClinVar variation 1930017 (VCV001930017.5), dbSNP rs2136148926, ClinGen allele CA385706537.
Genomic context (GRCh38, chr12:68,828,836, plus strand): 5'-AATTCAGATGAATTATCTGGTGAACGACAAAGAAAACGCCACAAATCTGATAGTATTTCC[C>T]TTTCCTTTGATGAAAGCCTGGCTCTGTGTGTAATAAGGGAGATATGTTGTGAAAGAAGCA-3'
Protein context (NP_002383.2, residues 187-207): RKRHKSDSIS[Leu197Phe]SFDESLALCV